The following is an entry in ClinVar:

NM_000211.5(ITGB2):c.1205G>A (p.Gly402Asp)

Gene: ITGB2 (integrin subunit beta 2; minus strand). Cytogenetic location: 21q22.3.
Variant type: single nucleotide variant.
Coding change: c.1205G>A on transcript NM_000211.5 (MANE Select); coding-DNA position 1205, G replaced by A.
Protein change: p.Gly402Asp; replaces glycine 402 with aspartic acid.
Molecular consequence: missense variant.
Genome position (GRCh38, 1-based): chr21:44,893,423, C>T on the plus strand (G>A on the coding strand, the complement: ITGB2 is on the minus strand). VCF-style: chr21-44893423-C-T. GRCh37 (hg19) VCF-style: chr21-46313338-C-T.
Other names: c.1205G>A, p.Gly402Asp (NM_001127491.3); c.998G>A, p.Gly333Asp (NM_001303238.2); c.1205G>A (NM_000211.3); short protein forms G333D, G402D.
Identifiers: ClinVar variation 1380806 (VCV001380806.5), dbSNP rs2146508200, ClinGen allele CA410485676.
Genomic context (GRCh38, chr21:44,893,423, plus strand): 5'-CCTCAGCAAGCTGGGATGGGGACCCTTGTGGCCAGGCTCACCGGGACATTGATCTGCACG[C>T]CATCACAGTCACCTCTGGGCTGGTTCCTGTGCGTCACTCCATTGCTGCAGAAGGAGTCGT-3'
Protein context (NP_000202.3, residues 392-412): HRNQPRGDCD[Gly402Asp]VQINVPITFQ

ClinVar aggregate classification (germline): Uncertain significance. Review status: criteria provided, multiple submitters, no conflicts (2 of 4 stars). 2 submissions from 2 submitters: Uncertain significance (2). Last evaluated 2024-05-20.

Conditions:
Inborn genetic diseases. Identifiers: MedGen C0950123, MeSH D030342.
Leukocyte adhesion deficiency 1 (LAD1). Also called: LEUKOCYTE ADHESION DEFICIENCY, TYPE I; LAD 1; Lymphocyte function-associated antigen 1 immunodeficiency; LFA 1 immunodeficiency. Identifiers: Orphanet 2968, Orphanet 99842, MedGen C0398738, MONDO:0007293, OMIM 116920.

Allele frequency attached by ClinVar (database versions not stated): gnomAD exomes below 0.00001.
gnomAD v4.1: 1 of 1,614,108 alleles (0.000062%); highest among the groups gnomAD compares: Non-Finnish European, 0.000085%; no homozygotes.

Submissions (2):

Ambry Genetics
Classification: Uncertain significance for Inborn genetic diseases. Last evaluated: 2024-05-20. Review status: criteria provided, single submitter. Criteria: Ambry Variant Classification Scheme 2023. Collection method: clinical testing. Allele origin: germline.

Labcorp Genetics (formerly Invitae), Labcorp
Classification: Uncertain significance for Leukocyte adhesion deficiency 1. Last evaluated: 2022-09-01. Review status: criteria provided, single submitter. Criteria: Invitae Variant Classification Sherloc (09022015). Collection method: clinical testing. Allele origin: germline.
Comment: In summary, the available evidence is currently insufficient to determine the role of this variant in disease. Therefore, it has been classified as a Variant of Uncertain Significance. Algorithms developed to predict the effect of missense changes on protein structure and function are either unavailable or do not agree on the potential impact of this missense change (SIFT: "Deleterious"; PolyPhen-2: "Benign"; Align-GVGD: "Class C65"). ClinVar contains an entry for this variant (Variation ID: 1380806). This variant has not been reported in the literature in individuals affected with ITGB2-related conditions. This variant is not present in population databases (gnomAD no frequency). This sequence change replaces glycine, which is neutral and non-polar, with aspartic acid, which is acidic and polar, at codon 402 of the ITGB2 protein (p.Gly402Asp).